The following is an entry in ClinVar:

NM_018489.3(ASH1L):c.4130G>T (p.Gly1377Val)

Gene: ASH1L (ASH1 like histone lysine methyltransferase; minus strand). Cytogenetic location: 1q22.
Variant type: single nucleotide variant.
Coding change: c.4130G>T on transcript NM_018489.3 (MANE Select); coding-DNA position 4130, G replaced by T.
Protein change: p.Gly1377Val; replaces glycine 1377 with valine.
Molecular consequence: missense variant.
Genome position (GRCh38, 1-based): chr1:155,478,740, C>A on the plus strand (G>T on the coding strand, the complement: ASH1L is on the minus strand). VCF-style: chr1-155478740-C-A. GRCh37 (hg19) VCF-style: chr1-155448531-C-A.
Other names: c.4130G>T, p.Gly1377Val (NM_001366177.2); short protein forms G1377V.
Identifiers: ClinVar variation 2639418 (VCV002639418.24), dbSNP rs149859780, ClinGen allele CA342704906.

ClinVar aggregate classification (germline): Uncertain significance (1 of 4 stars; one submission).

Submission:

CeGaT Center for Human Genetics Tuebingen
Classification: Uncertain significance. Last evaluated: 2023-10-01. Review status: criteria provided, single submitter. Criteria: CeGaT Center For Human Genetics Tuebingen Variant Classification Criteria Version 2. Collection method: clinical testing. Allele origin: germline. Affected: yes. Observed: 2 variant alleles.
Comment: ASH1L: PM2